The following is an entry in ClinVar:

NM_002816.5(PSMD12):c.356del (p.Pro119fs)

Gene: PSMD12 (proteasome 26S subunit, non-ATPase 12; minus strand). Cytogenetic location: 17q24.2.
Variant type: Deletion.
Coding change: c.356del on transcript NM_002816.5 (MANE Select); coding-DNA position 356, one base deleted (C; older notation c.356delC).
Protein change: p.Pro119fs; shifts the reading frame from proline 119.
Molecular consequence: frameshift variant.
Genome position (GRCh38, 1-based): chr17:67,350,278, G deleted on the plus strand (C on the coding strand, the reverse complement: PSMD12 is on the minus strand); the first of 2 consecutive G bases (chr17:67,350,278-67,350,279); deleting either gives the same sequence. VCF-style (leftmost placement, unchanged base first): chr17-67350277-AG-A. GRCh37 (hg19) VCF-style: chr17-65346393-AG-A.
Other names: c.179del, p.Pro60fs (NM_001316341.2); c.296del, p.Pro99fs (NM_174871.4); short protein forms P99fs, P119fs, P60fs.
Identifiers: ClinVar variation 817952 (VCV000817952.1), dbSNP rs1598563750, ClinGen allele CA915952219.

ClinVar aggregate classification (germline): Pathogenic (1 of 4 stars; one submission).

Submission:

GeneDx
Classification: Pathogenic. Last evaluated: 2018-12-17. Review status: criteria provided, single submitter. Criteria: GeneDx Variant Classification (06012015). Collection method: clinical testing. Allele origin: germline. Affected: yes.
Comment: The c.356delC pathogenic variant in the PSMD12 gene causes a frameshift starting with codon Proline 119, changes this amino acid to a Leucine residue and creates a premature Stop codon at position 6 of the new reading frame, denoted p.Pro119LeufsX6. This pathogenic variant is predicted to cause loss of normal protein function either through protein truncation or nonsense-mediated mRNA decay. The c.356delC variant is not observed in large population cohorts (Lek et al., 2016).